The following is an entry in ClinVar:

NM_000321.3(RB1):c.1098G>A (p.Val366=)

Gene: RB1 (RB transcriptional corepressor 1; plus strand). Cytogenetic location: 13q14.2.
Variant type: single nucleotide variant.
Coding change: c.1098G>A on transcript NM_000321.3 (MANE Select); coding-DNA position 1098, G replaced by A.
Protein change: p.Val366=; no amino-acid change (valine 366 retained).
Molecular consequence: synonymous variant.
Genome position (GRCh38, 1-based): chr13:48,368,575, G>A. VCF-style: chr13-48368575-G-A. GRCh37 (hg19) VCF-style: chr13-48942711-G-A.
Other names: c.1098G>A, p.Val366= (NM_001407165.1, NM_001407166.1).
Identifiers: ClinVar variation 1968046 (VCV001968046.5), dbSNP rs1952727288, ClinGen allele CA483558302.
Genomic context (GRCh38, chr13:48,368,575, plus strand): 5'-ATTGTTATTTAGTTTTGAAACACAGAGAACACCACGAAAAAGTAACCTTGATGAAGAGGT[G>A]AATGTAATTCCTCCACACACTCCAGTTAGGTATGAATTTTCCTACTTTTAATTATATTAT-3'
Protein context (NP_000312.2, residues 356-376): TPRKSNLDEE[Val366=]NVIPPHTPVR

ClinVar aggregate classification (germline): Uncertain significance (1 of 4 stars; one submission).

Conditions:
Retinoblastoma (RB1). Also called: RETINOBLASTOMA, SOMATIC. Identifiers: Orphanet 790, MedGen C0035335, MeSH D012175, MONDO:0008380, OMIM 180200, HP:0009919. Disease mechanism: loss of function. Inheritance: Both sporadic and heritable forms are tested..

Allele frequency attached by ClinVar (database versions not stated): TOPMed below 0.00001.

Submission:

Labcorp Genetics (formerly Invitae), Labcorp
Classification: Uncertain significance for Retinoblastoma. Last evaluated: 2024-12-12. Review status: criteria provided, single submitter. Criteria: Invitae Variant Classification Sherloc (09022015). Collection method: clinical testing. Allele origin: germline.
Comment: This sequence change affects codon 366 of the RB1 mRNA. It is a 'silent' change, meaning that it does not change the encoded amino acid sequence of the RB1 protein. This variant is not present in population databases (gnomAD no frequency). This variant has not been reported in the literature in individuals affected with RB1-related conditions. ClinVar contains an entry for this variant (Variation ID: 1968046). Algorithms developed to predict the effect of sequence changes on RNA splicing suggest that this variant may disrupt the consensus splice site. In summary, the available evidence is currently insufficient to determine the role of this variant in disease. Therefore, it has been classified as a Variant of Uncertain Significance.